The following is an entry in ClinVar:

NM_004656.4(BAP1):c.352T>C (p.Phe118Leu)

Gene: BAP1 (BRCA1 associated deubiquitinase 1; minus strand). Cytogenetic location: 3p21.1.
Variant type: single nucleotide variant.
Coding change: c.352T>C on transcript NM_004656.4 (MANE Select); coding-DNA position 352, T replaced by C.
Protein change: p.Phe118Leu; replaces phenylalanine 118 with leucine.
Molecular consequence: missense variant.
Genome position (GRCh38, 1-based): chr3:52,407,981, A>G on the plus strand (T>C on the coding strand, the complement: BAP1 is on the minus strand). VCF-style: chr3-52407981-A-G. GRCh37 (hg19) VCF-style: chr3-52441997-A-G.
Other names: c.352T>C (NM_004656.2); short protein forms F118L.
Identifiers: ClinVar variation 490857 (VCV000490857.7), dbSNP rs113802540, ClinGen allele CA74744062.

ClinVar aggregate classification (germline): Uncertain significance. Review status: criteria provided, multiple submitters, no conflicts (2 of 4 stars). 2 submissions from 2 submitters: Uncertain significance (2). Last evaluated 2025-11-29.

Conditions:
Hereditary cancer-predisposing syndrome. Also called: Hereditary Cancer Syndrome; Neoplastic Syndromes, Hereditary; Tumor predisposition; Hereditary neoplastic syndrome. Identifiers: Orphanet 140162, MedGen C0027672, MeSH D009386, MONDO:0015356.

Submissions (2):

Ambry Genetics
Classification: Uncertain significance for Hereditary cancer-predisposing syndrome. Last evaluated: 2025-11-29. Review status: criteria provided, single submitter. Criteria: Ambry Variant Classification Scheme 2023. Collection method: clinical testing. Allele origin: germline.
Comment: The p.F118L variant (also known as c.352T>C), located in coding exon 5 of the BAP1 gene, results from a T to C substitution at nucleotide position 352. The phenylalanine at codon 118 is replaced by leucine, an amino acid with highly similar properties. This amino acid position is conserved. In addition, this alteration is predicted to be deleterious by in silico analysis. Based on the available evidence, the clinical significance of this variant remains unclear.

Color Diagnostics, LLC DBA Color Health
Classification: Uncertain significance for Hereditary cancer-predisposing syndrome. Last evaluated: 2023-12-04. Review status: criteria provided, single submitter. Criteria: ACMG Guidelines, 2015. Collection method: clinical testing. Allele origin: germline.
Comment: This missense variant replaces phenylalanine with leucine at codon 118 of the BAP1 protein. Computational prediction is inconclusive regarding the impact of this variant on protein structure and function (internally defined REVEL score threshold 0.5 < inconclusive < 0.7, PMID: 27666373). To our knowledge, functional studies have not been reported for this variant. This variant has not been reported in individuals affected with BAP1-related disorders in the literature. This variant has not been identified in the general population by the Genome Aggregation Database (gnomAD). The available evidence is insufficient to determine the role of this variant in disease conclusively. Therefore, this variant is classified as a Variant of Uncertain Significance.